The following is an entry in ClinVar:

NM_005188.4(CBL):c.*4302C>T

Gene: CBL (Cbl proto-oncogene; plus strand). Cytogenetic location: 11q23.3.
Variant type: single nucleotide variant.
Coding change: c.*4302C>T on transcript NM_005188.4 (MANE Select); 4302 bases downstream of the stop codon, C replaced by T.
Molecular consequence: 3 prime UTR variant.
Genome position (GRCh38, 1-based): chr11:119,304,083, C>T. VCF-style: chr11-119304083-C-T. GRCh37 (hg19) VCF-style: chr11-119174793-C-T.
Identifiers: ClinVar variation 302850 (VCV000302850.5), dbSNP rs114801312, ClinGen allele CA10630011.
Genomic context (GRCh38, chr11:119,304,083, plus strand): 5'-AAAGATCCTTTAGTCAGTTGTTGGGTCTTCCAAGAGCCAGACATTAATACAGATTGAACT[C>T]CATCAGTCCCCTAATTGTCAGCCTTTACCTCCCTCCCAGAGCAAGGAGTTTAGGGATTCT-3'

ClinVar aggregate classification (germline): Benign (1 of 4 stars; one submission).

Conditions:
CBL-related disorder. Also called: NOONAN SYNDROME-LIKE DISORDER WITHOUT JUVENILE MYELOMONOCYTIC LEUKEMIA; CBL MUTATION-ASSOCIATED SYNDROME; CBL SYNDROME. Identifiers: Orphanet 363972, MedGen C3150803, MONDO:0013308, OMIM 613563.

Allele frequency attached by ClinVar (database versions not stated): gnomAD exomes 0.00205; 1000 Genomes Project 30x 0.01077; 1000 Genomes Project 0.01118; gnomAD 0.01227 and 0.01320; TOPMed 0.01318.
gnomAD v4.1: 2,024 of 233,648 alleles (0.87%); highest among the groups gnomAD compares: African/African-American, 4.1%; 45 homozygotes.

Submission:

Illumina Laboratory Services, Illumina
Classification: Benign for CBL-related disorder. Last evaluated: 2018-01-12. Review status: criteria provided, single submitter. Criteria: ICSL Variant Classification Criteria 13 December 2019. Collection method: clinical testing. Allele origin: germline.
Comment: This variant was observed in the ICSL laboratory as part of a predisposition screen in an ostensibly healthy population. It had not been previously curated by ICSL or reported in the Human Gene Mutation Database (HGMD: prior to June 1st, 2018), and was therefore a candidate for classification through an automated scoring system. Utilizing variant allele frequency, disease prevalence and penetrance estimates, and inheritance mode, an automated score was calculated to assess if this variant is too frequent to cause the disease. Based on the score and internal cut-off values, a variant classified as benign is not then subjected to further curation. The score for this variant resulted in a classification of benign for this disease.